The following is an entry in ClinVar:

NM_001080517.3(SETD5):c.4107_4110dup (p.Ser1371fs)

Gene: SETD5 (SET domain containing 5; plus strand). Cytogenetic location: 3p25.3.
Variant type: Duplication.
Coding change: c.4107_4110dup on transcript NM_001080517.3 (MANE Select); coding-DNA positions 4107 to 4110, 4 bases duplicated (GAGT; older notation c.4107_4110dupGAGT).
Protein change: p.Ser1371fs; shifts the reading frame from serine 1371.
Molecular consequence: frameshift variant.
Genome position (GRCh38, 1-based): chr3:9,475,869-9,475,872, GAGT duplicated; duplicating any 4 consecutive bases within chr3:9,475,868-9,475,872 gives the same sequence; the c. name uses the placement nearest the transcript's 3' end. VCF-style (leftmost placement, unchanged base first): chr3-9475867-C-CTGAG. GRCh37 (hg19) VCF-style: chr3-9517551-C-CTGAG.
Other names: c.3813_3816dup, p.Ser1273fs (NM_001292043.2, NM_001349451.2); short protein forms S1273fs, S1371fs.
Identifiers: ClinVar variation 987185 (VCV000987185.3), dbSNP rs1553641753, ClinGen allele CA2239866.

ClinVar aggregate classification (germline): Likely pathogenic. Review status: criteria provided, multiple submitters, no conflicts (2 of 4 stars). 2 submissions from 2 submitters: Likely pathogenic (2). Last evaluated 2023-03-14.

Submissions (2):

Centre of Medical Genetics, University Hospital Muenster
Classification: Likely pathogenic. Last evaluated: 2023-03-14. Review status: criteria provided, single submitter. Criteria: ACMG Guidelines, 2015. Collection method: clinical testing. Allele origin: unknown. Affected: yes. Observed: 1 variant allele, 1 heterozygote.
Comment: ACMG categories: PVS1,PM2

Institute of Medical Genetics and Applied Genomics, University Hospital Tübingen
Classification: Likely pathogenic. Last evaluated: 2020-10-23. Review status: criteria provided, single submitter. Criteria: ACMG Guidelines, 2015. Collection method: clinical testing. Allele origin: germline. Inheritance: Unknown mechanism. Affected: yes.